The following is an entry in ClinVar:

NM_001035.3(RYR2):c.5790T>C (p.Asp1930=)

Gene: RYR2 (ryanodine receptor 2; plus strand). Cytogenetic location: 1q43.
Variant type: single nucleotide variant.
Coding change: c.5790T>C on transcript NM_001035.3 (MANE Select); coding-DNA position 5790, T replaced by C.
Protein change: p.Asp1930=; no amino-acid change (aspartic acid 1930 retained).
Molecular consequence: synonymous variant.
Genome position (GRCh38, 1-based): chr1:237,617,360, T>C. VCF-style: chr1-237617360-T-C. GRCh37 (hg19) VCF-style: chr1-237780660-T-C.
Identifiers: ClinVar variation 1616457 (VCV001616457.10), dbSNP rs764867305, ClinGen allele CA086974.

ClinVar aggregate classification (germline): Likely benign. Review status: criteria provided, multiple submitters, no conflicts (2 of 4 stars). 2 submissions from 2 submitters: Likely benign (2). Last evaluated 2024-01-17.

Conditions:
Catecholaminergic polymorphic ventricular tachycardia (CVPT). Also called: Catecholamine-induced polymorphic ventricular tachycardia. Identifiers: Orphanet 3286, MedGen C5574922, MONDO:0017990.
Catecholaminergic polymorphic ventricular tachycardia 1. Also called: VENTRICULAR TACHYCARDIA, CATECHOLAMINERGIC POLYMORPHIC, 1, WITH OR WITHOUT ATRIAL DYSFUNCTION AND/OR DILATED CARDIOMYOPATHY; VENTRICULAR TACHYCARDIA, STRESS-INDUCED POLYMORPHIC 1; RYR2-Related Catecholaminergic Polymorphic Ventricular Tachycardia. Identifiers: Orphanet 3286, MedGen C1631597, MONDO:0011484, OMIM 604772.

Allele frequency attached by ClinVar (database versions not stated): gnomAD 0.00001; gnomAD exomes 0.00003 and 0.00008; ExAC 0.00006; 1000 Genomes Project 30x 0.00031.
gnomAD v4.1: 51 of 1,614,014 alleles (0.0032%); highest among the groups gnomAD compares: South Asian, 0.054%; no homozygotes.

Submissions (2):

Labcorp Genetics (formerly Invitae), Labcorp
Classification: Likely benign for Catecholaminergic polymorphic ventricular tachycardia 1. Last evaluated: 2024-01-17. Review status: criteria provided, single submitter. Criteria: Invitae Variant Classification Sherloc (09022015). Collection method: clinical testing. Allele origin: germline.

All of Us Research Program, National Institutes of Health
Classification: Likely benign for Catecholaminergic polymorphic ventricular tachycardia. Last evaluated: 2023-06-08. Review status: criteria provided, single submitter. Criteria: ACMG Guidelines, 2015. Collection method: clinical testing. Allele origin: germline. Inheritance: Autosomal dominant inheritance. Observed: 1 variant allele, 1 heterozygote.
Comment: This study involves interpretation of variants in research participants for the purpose of population health screening. Participant phenotype was not available at the time of variant classification. Additional details can be found in publication PMID: 35346344, PMCID: PMC8962531